The following is an entry in ClinVar:

NM_001127222.2(CACNA1A):c.6739C>T (p.Arg2247Cys)

Genes: CACNA1A (calcium voltage-gated channel subunit alpha1 A; minus strand), LOC130063717 (ATAC-STARR-seq lymphoblastoid silent region 10203; plus strand). Cytogenetic location: 19p13.13.
Variant type: single nucleotide variant.
Coding change: c.6739C>T on transcript NM_001127222.2 (MANE Select); coding-DNA position 6739, C replaced by T.
Protein change: p.Arg2247Cys; replaces arginine 2247 with cysteine.
Molecular consequence: missense variant.
Genome position (GRCh38, 1-based): chr19:13,208,797, G>A on the plus strand (C>T on the coding strand, the complement: CACNA1A is on the minus strand). VCF-style: chr19-13208797-G-A. GRCh37 (hg19) VCF-style: chr19-13319611-G-A.
Other names: c.6757C>T, p.Arg2253Cys (NM_000068.4, NM_023035.3); c.6742C>T, p.Arg2248Cys (NM_001127221.2); c.6748C>T, p.Arg2250Cys (NM_001174080.2); short protein forms R2247C, R2248C, R2250C, R2253C.
Identifiers: ClinVar variation 1218477 (VCV001218477.9), dbSNP rs1265035474, ClinGen allele CA404329475.
Genomic context (GRCh38, chr19:13,208,797, plus strand): 5'-CACTTGCAGCCGCACCCACCTGCCGGTGCGCCATGTGCTCTCGGCCCTCGCTGGGCGAGC[G>A]GGACCAGCGCTGGTCCCGAGCCCGTGCCCGGCCGTGGTCCGGCCGTTCCTGGGCATAGCG-3'
Protein context (NP_001120694.1, residues 2237-2257): RARARDQRWS[Arg2247Cys]SPSEGREHMA

ClinVar aggregate classification (germline): Uncertain significance. Review status: criteria provided, multiple submitters, no conflicts (2 of 4 stars). 3 submissions from 3 submitters: Uncertain significance (3). Last evaluated 2025-11-13.

Conditions:
Episodic ataxia type 2 (EA2). Also called: ATAXIA, EPISODIC, WITH NYSTAGMUS; ATAXIA, FAMILIAL PAROXYSMAL; CEREBELLAR ATAXIA, PAROXYSMAL, ACETAZOLAMIDE-RESPONSIVE; CEREBELLOPATHY, HEREDITARY PAROXYSMAL; EPISODIC ATAXIA, NYSTAGMUS-ASSOCIATED; ACETAZOLAMIDE-RESPONSIVE HEREDITARY PAROXYSMAL CEREBELLAR ATAXIA. Identifiers: Orphanet 97, MedGen C1720416, MONDO:0007163, OMIM 108500.
Developmental and epileptic encephalopathy, 42 (DEE42A). Also called: DEVELOPMENTAL AND EPILEPTIC ENCEPHALOPATHY 42A; EPILEPTIC ENCEPHALOPATHY, EARLY INFANTILE, 42A; Epileptic encephalopathy, early infantile, 42. Identifiers: MedGen C4310716, MONDO:0014917, OMIM 617106.

Allele frequency attached by ClinVar (database versions not stated): TOPMed 0.00001.
gnomAD v4.1: 8 of 1,554,702 alleles (0.00051%); highest among the groups gnomAD compares: Non-Finnish European, 0.00069%; no homozygotes.

Submissions (3):

Women's Health and Genetics/Laboratory Corporation of America, LabCorp
Classification: Uncertain significance. Last evaluated: 2025-11-13. Review status: criteria provided, single submitter. Criteria: LabCorp Variant Classification Summary - May 2015. Collection method: clinical testing. Allele origin: germline.
Comment: Variant summary: CACNA1A c.6742C>T (p.Arg2248Cys) results in a non-conservative amino acid change in the encoded protein sequence. Algorithms developed to predict the effect of missense changes on protein structure and function all suggest that this variant is likely to be disruptive. The frequency data for this variant in gnomAD is considered unreliable, as metrics indicate poor data quality at this position. To our knowledge, no occurrence of c.6742C>T in individuals affected with CACNA1A-related conditions and no experimental evidence demonstrating its impact on protein function have been reported. ClinVar contains an entry for this variant (Variation ID: 1218477). Based on the evidence outlined above, the variant was classified as uncertain significance.

Labcorp Genetics (formerly Invitae), Labcorp
Classification: Uncertain significance for Developmental and epileptic encephalopathy, 42; Episodic ataxia type 2. Last evaluated: 2025-08-29. Review status: criteria provided, single submitter. Criteria: Invitae Variant Classification Sherloc (09022015). Collection method: clinical testing. Allele origin: germline.
Comment: This sequence change replaces arginine, which is basic and polar, with cysteine, which is neutral and slightly polar, at codon 2248 of the CACNA1A protein (p.Arg2248Cys). This variant is not present in population databases (gnomAD no frequency). This variant has not been reported in the literature in individuals affected with CACNA1A-related conditions. ClinVar contains an entry for this variant (Variation ID: 1218477). Invitae Evidence Modeling of protein sequence and biophysical properties (such as structural, functional, and spatial information, amino acid conservation, physicochemical variation, residue mobility, and thermodynamic stability) indicates that this missense variant is not expected to disrupt CACNA1A protein function with a negative predictive value of 95%. In summary, the available evidence is currently insufficient to determine the role of this variant in disease. Therefore, it has been classified as a Variant of Uncertain Significance.

GeneDx
Classification: Uncertain significance. Last evaluated: 2022-11-03. Review status: criteria provided, single submitter. Criteria: GeneDx Variant Classification Process June 2021. Collection method: clinical testing. Allele origin: germline. Affected: yes.
Comment: Not observed at significant frequency in large population cohorts (gnomAD); In silico analysis supports that this missense variant has a deleterious effect on protein structure/function; Has not been previously published as pathogenic or benign to our knowledge